The following is an entry in ClinVar:

ClinVar aggregate classification (germline): Pathogenic (1 of 4 stars; one submission).

Conditions:
Hermansky-Pudlak syndrome 3 (HPS3). Identifiers: Orphanet 231512, Orphanet 79430, MedGen C3888001, MONDO:0013555, OMIM 614072.

Submission:

Myriad Genetics, Inc.
Classification: Pathogenic for Hermansky-Pudlak syndrome 3. Last evaluated: 2026-01-23. Review status: criteria provided, single submitter. Criteria: Myriad Autosomal Dominant, Autosomal Recessive and X-Linked Classification Criteria (2023). Collection method: clinical testing. Allele origin: unknown.
Comment: NM_032383.3(HPS3):c.976_977delCT(L326Yfs*3) is expected to be pathogenic in the context of Hermansky-Pudlak syndrome, HPS3-related. This variant is predicted to lead to an abnormal or absent protein product due to the creation of a premature termination codon in HPS3, a gene where loss-of-function variants are known to be pathogenic. Please note: this variant was assessed in the context of healthy population screening.

NM_032383.5(HPS3):c.976_977del (p.Leu326fs)

Gene: HPS3 (HPS3 biogenesis of lysosomal organelles complex 2 subunit 1; plus strand). Cytogenetic location: 3q24.
Variant type: Microsatellite.
Coding change: c.976_977del on transcript NM_032383.5 (MANE Select); coding-DNA positions 976 to 977, 2 bases deleted (CT; older notation c.976_977delCT).
Protein change: p.Leu326fs; shifts the reading frame from leucine 326.
Molecular consequence: frameshift variant.
Genome position (GRCh38, 1-based): chr3:149,145,359-149,145,360, CT deleted; deleting any 2 consecutive bases within chr3:149,145,356-149,145,360 gives the same sequence; the c. name uses the placement nearest the transcript's 3' end. VCF-style (leftmost placement, unchanged base first): chr3-149145355-TTC-T. GRCh37 (hg19) VCF-style: chr3-148863142-TTC-T.
Other names: c.481_482del, p.Leu161fs (NM_001308258.2); short protein forms L161fs, L326fs.
Identifiers: ClinVar variation 5015470 (VCV005015470.1).